The following is an entry in ClinVar:

ClinVar aggregate classification (germline): Uncertain significance. Review status: criteria provided, multiple submitters, no conflicts (2 of 4 stars). 2 submissions from 2 submitters: Uncertain significance (2). Last evaluated 2024-08-31.

Conditions:
Epidermodysplasia verruciformis. Identifiers: Orphanet 302, MedGen C0014522, MONDO:0009176.
Inborn genetic diseases. Identifiers: MedGen C0950123, MeSH D030342.

Allele frequency attached by ClinVar (database versions not stated): gnomAD 0.00003; TOPMed 0.00003; ExAC 0.00008; 1000 Genomes Project 30x 0.00016; 1000 Genomes Project 0.00020.

Submissions (2):

Labcorp Genetics (formerly Invitae), Labcorp
Classification: Uncertain significance for Epidermodysplasia verruciformis. Last evaluated: 2024-08-31. Review status: criteria provided, single submitter. Criteria: Invitae Variant Classification Sherloc (09022015). Collection method: clinical testing. Allele origin: germline.
Comment: This sequence change replaces arginine, which is basic and polar, with tryptophan, which is neutral and slightly polar, at codon 69 of the TMC6 protein (p.Arg69Trp). The frequency data for this variant in the population databases is considered unreliable, as metrics indicate poor data quality at this position in the gnomAD database. This variant has not been reported in the literature in individuals affected with TMC6-related conditions. ClinVar contains an entry for this variant (Variation ID: 2145581). An algorithm developed to predict the effect of missense changes on protein structure and function (PolyPhen-2) suggests that this variant is likely to be disruptive. In summary, the available evidence is currently insufficient to determine the role of this variant in disease. Therefore, it has been classified as a Variant of Uncertain Significance.

Ambry Genetics
Classification: Uncertain significance for Inborn genetic diseases. Last evaluated: 2024-03-18. Review status: criteria provided, single submitter. Criteria: Ambry Variant Classification Scheme 2023. Collection method: clinical testing. Allele origin: germline.

NM_001127198.5(TMC6):c.205C>T (p.Arg69Trp)

Gene: TMC6 (transmembrane channel like 6; minus strand). Cytogenetic location: 17q25.3.
Variant type: single nucleotide variant.
Coding change: c.205C>T on transcript NM_001127198.5 (MANE Select); coding-DNA position 205, C replaced by T.
Protein change: p.Arg69Trp; replaces arginine 69 with tryptophan.
Molecular consequence: missense variant. On other transcripts: non-coding transcript variant (4).
Genome position (GRCh38, 1-based): chr17:78,126,343, G>A on the plus strand (C>T on the coding strand, the complement: TMC6 is on the minus strand). VCF-style: chr17-78126343-G-A. GRCh37 (hg19) VCF-style: chr17-76122424-G-A.
Other names: c.205C>T, p.Arg69Trp (NM_001321185.1, NM_001374593.1, NM_001374594.1 and 4 more transcripts); short protein forms R69W.
Identifiers: ClinVar variation 2145581 (VCV002145581.4), dbSNP rs529531268, ClinGen allele CA8796216.